The following is an entry in ClinVar:

ClinVar aggregate classification (germline): Uncertain significance. Review status: criteria provided, multiple submitters, no conflicts (2 of 4 stars). 3 submissions from 3 submitters: Uncertain significance (2). 1 of the submissions does not count toward it. Last evaluated 2025-12-15.

Conditions:
Cardiomyopathy (CMYO). Also called: Cardiomyopathies. Identifiers: Orphanet 167848, MedGen C0878544, MONDO:0004994, HP:0001638. Inheritance: Various modes of inheritance.
Dystrophin deficiency.
Duchenne muscular dystrophy (DMD). Also called: MUSCULAR DYSTROPHY, PSEUDOHYPERTROPHIC PROGRESSIVE, DUCHENNE TYPE; Duchenne Muscular Dystrophy (DMD). Identifiers: Orphanet 98896, MedGen C0013264, MONDO:0010679, OMIM 310200.
Becker muscular dystrophy (BMD). Also called: Becker Muscular Dystrophy (BMD); MUSCULAR DYSTROPHY, PSEUDOHYPERTROPHIC PROGRESSIVE, BECKER TYPE. Identifiers: Orphanet 98895, MedGen C0917713, MONDO:0010311, OMIM 300376.
Cardiovascular phenotype. Identifiers: MedGen CN230736.

Allele frequency attached by ClinVar (database versions not stated): gnomAD exomes below 0.00001; gnomAD 0.00001; TOPMed 0.00001.
gnomAD v4.1: 2 of 1,206,170 alleles (0.00017%); highest among the groups gnomAD compares: Admixed American, 0.0044%; no homozygotes.

Submissions (3):

Ambry Genetics
Classification: Uncertain significance for Cardiovascular phenotype. Last evaluated: 2025-12-15. Review status: criteria provided, single submitter. Criteria: Ambry Variant Classification Scheme 2023. Collection method: clinical testing. Allele origin: germline.

Labcorp Genetics (formerly Invitae), Labcorp
Classification: Uncertain significance for Duchenne muscular dystrophy. Last evaluated: 2024-07-17. Review status: criteria provided, single submitter. Criteria: Invitae Variant Classification Sherloc (09022015). Collection method: clinical testing. Allele origin: germline.
Comment: This sequence change replaces leucine, which is neutral and non-polar, with valine, which is neutral and non-polar, at codon 1853 of the DMD protein (p.Leu1853Val). This variant is not present in population databases (gnomAD no frequency). This variant has not been reported in the literature in individuals affected with DMD-related conditions. ClinVar contains an entry for this variant (Variation ID: 1023726). Advanced modeling of protein sequence and biophysical properties (such as structural, functional, and spatial information, amino acid conservation, physicochemical variation, residue mobility, and thermodynamic stability) performed at Invitae indicates that this missense variant is not expected to disrupt DMD protein function with a negative predictive value of 95%. In summary, the available evidence is currently insufficient to determine the role of this variant in disease. Therefore, it has been classified as a Variant of Uncertain Significance.

Natera, Inc.
Classification: Uncertain significance for Becker muscular dystrophy; Cardiomyopathy; Duchenne muscular dystrophy; Dystrophin deficiency. Last evaluated: 2018-11-27. Review status: no assertion criteria provided. Collection method: clinical testing. Allele origin: germline. Not counted in ClinVar's aggregate classification.

NM_004006.3(DMD):c.5557C>G (p.Leu1853Val)

Gene: DMD (dystrophin; minus strand). Cytogenetic location: Xp21.1.
Variant type: single nucleotide variant.
Coding change: c.5557C>G on transcript NM_004006.3 (MANE Select); coding-DNA position 5557, C replaced by G.
Protein change: p.Leu1853Val; replaces leucine 1853 with valine.
Molecular consequence: missense variant.
Genome position (GRCh38, 1-based): chrX:32,345,972, G>C on the plus strand (C>G on the coding strand, the complement: DMD is on the minus strand). VCF-style: chrX-32345972-G-C. GRCh37 (hg19) VCF-style: chrX-32364089-G-C.
Other names: c.5557C>G (NM_004006.2); c.5533C>G, p.Leu1845Val (NM_000109.4); c.5545C>G, p.Leu1849Val (NM_004009.3); c.5188C>G, p.Leu1730Val (NM_004010.3); c.1534C>G, p.Leu512Val (NM_004011.4); c.1525C>G, p.Leu509Val (NM_004012.4); short protein forms L1730V, L1845V, L1849V, L1853V, L509V, L512V.
Identifiers: ClinVar variation 1023726 (VCV001023726.10), dbSNP rs949836768, ClinGen allele CA327983712.
Genomic context (GRCh38, chrX:32,345,972, plus strand): 5'-GCAAGGTATATTATAATTTTAGCTCTAATACCTTGAGAGCATTATGTTTTGTCTGTAACA[G>C]CTGCTGTTTTATCTTTATTTCCTCTCGCTTTCTCTCATCTGTGATTCTTTGTTGTAAGTT-3'
Protein context (NP_003997.2, residues 1843-1863): KREEIKIKQQ[Leu1853Val]LQTKHNALKD